The following is an entry in ClinVar:

ClinVar aggregate classification (germline): Uncertain significance (1 of 4 stars; one submission).

Conditions:
Duchenne muscular dystrophy (DMD). Also called: MUSCULAR DYSTROPHY, PSEUDOHYPERTROPHIC PROGRESSIVE, DUCHENNE TYPE; Duchenne Muscular Dystrophy (DMD). Identifiers: Orphanet 98896, MedGen C0013264, MONDO:0010679, OMIM 310200.

Submission:

Labcorp Genetics (formerly Invitae), Labcorp
Classification: Uncertain significance for Duchenne muscular dystrophy. Last evaluated: 2025-03-31. Review status: criteria provided, single submitter. Criteria: Invitae Variant Classification Sherloc (09022015). Collection method: clinical testing. Allele origin: germline.
Comment: This sequence change replaces lysine, which is basic and polar, with arginine, which is basic and polar, at codon 3377 of the DMD protein (p.Lys3377Arg). This variant is not present in population databases (gnomAD no frequency). This variant has not been reported in the literature in individuals affected with DMD-related conditions. Invitae Evidence Modeling of protein sequence and biophysical properties (such as structural, functional, and spatial information, amino acid conservation, physicochemical variation, residue mobility, and thermodynamic stability) indicates that this missense variant is not expected to disrupt DMD protein function with a negative predictive value of 95%. In summary, the available evidence is currently insufficient to determine the role of this variant in disease. Therefore, it has been classified as a Variant of Uncertain Significance.

NM_004006.3(DMD):c.10130A>G (p.Lys3377Arg)

Gene: DMD (dystrophin; minus strand). Cytogenetic location: Xp21.2.
Variant type: single nucleotide variant.
Coding change: c.10130A>G on transcript NM_004006.3 (MANE Select); coding-DNA position 10130, A replaced by G.
Protein change: p.Lys3377Arg; replaces lysine 3377 with arginine.
Molecular consequence: missense variant.
Genome position (GRCh38, 1-based): chrX:31,178,762, T>C on the plus strand (A>G on the coding strand, the complement: DMD is on the minus strand). VCF-style: chrX-31178762-T-C. GRCh37 (hg19) VCF-style: chrX-31196879-T-C.
Other names: c.10106A>G, p.Lys3369Arg (NM_000109.4); c.10118A>G, p.Lys3373Arg (NM_004009.3); c.9761A>G, p.Lys3254Arg (NM_004010.3); c.6107A>G, p.Lys2036Arg (NM_004011.4); c.6098A>G, p.Lys2033Arg (NM_004012.4); c.2750A>G, p.Lys917Arg (NM_004013.3, NM_004020.4, NM_004021.3 and 2 more transcripts); c.1943A>G, p.Lys648Arg (NM_004014.3); c.926A>G, p.Lys309Arg (NM_004015.3, NM_004016.3, NM_004017.3 and 2 more transcripts); short protein forms K2036R, K917R, K3254R, K3369R, K3377R, K3373R, K648R, K2033R.
Identifiers: ClinVar variation 4691615 (VCV004691615.1).